The following is an entry in ClinVar:

ClinVar aggregate classification (germline): Likely pathogenic (1 of 4 stars; one submission).

Conditions:
Charcot-Marie-Tooth disease type 2. Also called: Charcot-Marie-Tooth type 2. Identifiers: Orphanet 64746, MedGen C0270914, MONDO:0018993.

Submission:

Labcorp Genetics (formerly Invitae), Labcorp
Classification: Likely pathogenic for Charcot-Marie-Tooth disease type 2. Last evaluated: 2024-10-17. Review status: criteria provided, single submitter. Criteria: Invitae Variant Classification Sherloc (09022015). Collection method: clinical testing. Allele origin: germline.
Comment: This sequence change affects an acceptor splice site in intron 11 of the AARS gene. It is expected to disrupt RNA splicing. Variants that disrupt the donor or acceptor splice site typically lead to a loss of protein function (PMID: 16199547), and loss-of-function variants in AARS are known to be pathogenic (PMID: 25817015, 28493438, 34446925). This variant is not present in population databases (gnomAD no frequency). This variant has not been reported in the literature in individuals affected with AARS-related conditions. Algorithms developed to predict the effect of sequence changes on RNA splicing suggest that this variant may disrupt the consensus splice site. In summary, the currently available evidence indicates that the variant is pathogenic, but additional data are needed to prove that conclusively. Therefore, this variant has been classified as Likely Pathogenic.

Literature cited by the submitters: PubMed 16199547; PubMed 25817015; PubMed 28493438; PubMed 34446925.

NM_001605.3(AARS1):c.1493-2A>G

Gene: AARS1 (alanyl-tRNA synthetase 1; minus strand). Cytogenetic location: 16q22.1.
Variant type: single nucleotide variant.
Coding change: c.1493-2A>G on transcript NM_001605.3 (MANE Select); the canonical splice acceptor site of the intron before coding-DNA position 1493, A replaced by G.
Molecular consequence: splice acceptor variant.
Genome position (GRCh38, 1-based): chr16:70,262,526, T>C on the plus strand (A>G on the coding strand, the complement: AARS1 is on the minus strand). VCF-style: chr16-70262526-T-C. GRCh37 (hg19) VCF-style: chr16-70296429-T-C.
Identifiers: ClinVar variation 3689787 (VCV003689787.2).